The following is an entry in ClinVar:

ClinVar aggregate classification (germline): Pathogenic/Likely pathogenic. Review status: criteria provided, multiple submitters, no conflicts (2 of 4 stars). 4 submissions from 4 submitters: Pathogenic (2); Likely pathogenic (1). 1 of the submissions does not count toward it. Last evaluated 2020-10-19.

Conditions:
Kugelberg-Welander disease (SMA3). Also called: KUGELBERG-WELANDER SYNDROME; MUSCULAR ATROPHY, JUVENILE; SPINAL MUSCULAR ATROPHY, TYPE III; SMA III; SPINAL MUSCULAR ATROPHY, MILD CHILDHOOD AND ADOLESCENT FORM; Juvenile Spinal Muscular Atrophy. Identifiers: Orphanet 70, Orphanet 83419, MedGen C0152109, MONDO:0009672, OMIM 253400.

Submissions (4):

Victorian Clinical Genetics Services, Murdoch Childrens Research Institute
Classification: Pathogenic for Kugelberg-Welander disease. Last evaluated: 2020-10-19. Review status: criteria provided, single submitter. Criteria: ACMG Guidelines, 2015. Collection method: clinical testing. Allele origin: germline. Inheritance: Autosomal recessive inheritance.
Comment: Based on the classification scheme VCGS_Germline_v1.1.1, this variant is classified as Pathogenic. Following criteria are met: 0102 - Loss-of-function is a known mechanism of disease for this gene. (N) 0104 - Dominant Negative is a mechanism of disease for this gene. (N) 0106 - Variant is heterozygous. (N) 0200 - Variant is predicted to result in a missense amino acid change from serine to leucine (exon 7). (N) 0251 - Variant is heterozygous. (N) 0301 – Population information is not available for this region in gnomAD. (N) 0501 - Missense variant consistently predicted to be damaging by multiple in silico tools or highly conserved with a major amino acid change. (P) 0600 - Variant is located in an annotated domain or motif (SMN domain; NCBI, Decipher, PDB). (N) 0704 - Comparable variant has low previous evidence for pathogenicity. At least one alternative change in the same residue resulting in a glycine has been reported in a patient with type III spinal muscular atrophy (ClinVar; PMID: 23022347). (P) 0801 - Strong previous evidence of pathogenicity in unrelated individuals. This variant has been reported multiple times in patients with type III spinal muscular atrophy (ClinVar; PMID: 9158159; PMID: 23073312; PMID: 9199562). (P) 0905 - No segregation evidence has been identified for this variant. (N) 1002 - Moderate functional evidence supporting abnormal protein function. In vitro studies show that this variant reduces RNA binding efficiency and impacts self-oligomerisation (PMID: 9668169; PMID: 23022347). (N) Legend: (P) - Pathogenic, (N) - Neutral, (B) - Benign

Athena Diagnostics
Classification: Pathogenic. Last evaluated: 2017-09-07. Review status: criteria provided, single submitter. Criteria: Athena Diagnostics Criteria. Collection method: clinical testing. Allele origin: germline.

Molecular Diagnostics Lab, Nemours Children's Health, Delaware
Classification: Likely pathogenic for Kugelberg-Welander disease. Last evaluated: 2016-03-03. Review status: criteria provided, single submitter. Criteria: ACMG Guidelines, 2015. Collection method: clinical testing. Allele origin: maternal, unknown. Affected: yes and no. Observed: 2 variant alleles.

OMIM
Classification: Pathogenic for SPINAL MUSCULAR ATROPHY, TYPE III. Last evaluated: 1997-05-01. Review status: no assertion criteria provided. Collection method: literature only. Allele origin: germline. Not counted in ClinVar's aggregate classification.

Literature cited by the submitters: PubMed 9158159 (cited by 4 submitters); PubMed 9199562 (cited by Victorian Clinical Genetics Services, Murdoch Childrens Research Institute); PubMed 9668169 (cited by Victorian Clinical Genetics Services, Murdoch Childrens Research Institute and Athena Diagnostics); PubMed 10205265 (cited by Victorian Clinical Genetics Services, Murdoch Childrens Research Institute and Athena Diagnostics); PubMed 20301526 (cited by Victorian Clinical Genetics Services, Murdoch Childrens Research Institute); PubMed 23022347 (cited by Victorian Clinical Genetics Services, Murdoch Childrens Research Institute and Athena Diagnostics); PubMed 23073312 (cited by Victorian Clinical Genetics Services, Murdoch Childrens Research Institute and Athena Diagnostics); PubMed 17635841 (cited by Athena Diagnostics); PubMed 21082361 (cited by Athena Diagnostics); PubMed 14715275 (cited by Athena Diagnostics); PubMed 9590291 (cited by Athena Diagnostics).

NM_000344.4(SMN1):c.785G>T (p.Ser262Ile)

Gene: SMN1 (survival of motor neuron 1, telomeric). Cytogenetic location: 5q13.2.
Variant type: single nucleotide variant.
Coding change: c.785G>T on transcript NM_000344.4 (MANE Select); coding-DNA position 785, G replaced by T.
Protein change: p.Ser262Ile; replaces serine 262 with isoleucine.
Molecular consequence: missense variant.
Genome position (GRCh38, 1-based): chr5:70,946,127, G>T. VCF-style: chr5-70946127-G-T. GRCh37 (hg19) VCF-style: chr5-70241954-G-T.
Other names: c.785G>T, p.Ser262Ile (NM_001297715.1); c.689G>T, p.Ser230Ile (NM_022874.2); short protein forms S262I, S230I.
Identifiers: ClinVar variation 9165 (VCV000009165.6), dbSNP rs1554066659, ClinGen allele CA254675.
Genomic context (GRCh38, chr5:70,946,127, plus strand): 5'-TAATTCCCCCACCACCTCCCATATGTCCAGATTCTCTTGATGATGCTGATGCTTTGGGAA[G>T]TATGTTAATTTCATGGTACATGAGTGGCTATCATACTGGCTATTATATGGTAAGTAATCA-3'
Protein context (NP_000335.1, residues 252-272): DSLDDADALG[Ser262Ile]MLISWYMSGY